The following is an entry in ClinVar:

NM_003801.4(GPAA1):c.564_578del (p.Asp188_Thr192del)

Gene: GPAA1 (glycosylphosphatidylinositol anchor attachment 1; plus strand). Cytogenetic location: 8q24.3.
Variant type: Deletion.
Coding change: c.564_578del on transcript NM_003801.4 (MANE Select); coding-DNA positions 564 to 578, 15 bases deleted (CCTTCTGGGCACTGA).
Protein change: p.Asp188_Thr192del.
Molecular consequence: inframe deletion.
Genome position (GRCh38, 1-based): chr8:144,083,988-144,084,002, CCTTCTGGGCACTGA deleted; deleting any 15 consecutive bases within chr8:144,083,985-144,084,002 gives the same sequence; the c. name uses the placement nearest the transcript's 3' end. VCF-style (leftmost placement, unchanged base first): chr8-144083984-ATGACCTTCTGGGCAC-A. GRCh37 (hg19) VCF-style: chr8-145138887-ATGACCTTCTGGGCAC-A.
Identifiers: ClinVar variation 1490856 (VCV001490856.6), dbSNP rs1564304455, ClinGen allele CA918391238.
Genomic context (GRCh38, chr8:144,083,984, plus strand): 5'-GCTTCTGGCCTCCAGGGCAGATTTATTGGGCCAAAGATATCGTCTTCCTGGTAACAGAAC[ATGACCTTCTGGGCAC>A]TGAGGCTTGGCTTGAAGCCTACCACGATGTCAATGTCACTGGTAGGTTCTCTTGTCCTGC-3'

ClinVar aggregate classification (germline): Uncertain significance (1 of 4 stars; one submission).

Submission:

Labcorp Genetics (formerly Invitae), Labcorp
Classification: Uncertain significance. Last evaluated: 2024-09-05. Review status: criteria provided, single submitter. Criteria: Invitae Variant Classification Sherloc (09022015). Collection method: clinical testing. Allele origin: germline.
Comment: This variant, c.564_578del, results in the deletion of 5 amino acid(s) of the GPAA1 protein (p.Asp188_Thr192del), but otherwise preserves the integrity of the reading frame. This variant is not present in population databases (gnomAD no frequency). This variant has not been reported in the literature in individuals affected with GPAA1-related conditions. ClinVar contains an entry for this variant (Variation ID: 1490856). Experimental studies and prediction algorithms are not available or were not evaluated, and the functional significance of this variant is currently unknown. In summary, the available evidence is currently insufficient to determine the role of this variant in disease. Therefore, it has been classified as a Variant of Uncertain Significance.